The following is an entry in ClinVar:

NM_003906.5(MCM3AP):c.5918C>T (p.Ala1973Val)

Genes: MCM3AP (minichromosome maintenance complex component 3 associated protein; minus strand), MCM3AP-AS1 (MCM3AP antisense RNA 1; plus strand). Cytogenetic location: 21q22.3.
Variant type: single nucleotide variant.
Coding change: c.5918C>T on transcript NM_003906.5 (MANE Select); coding-DNA position 5918, C replaced by T.
Protein change: p.Ala1973Val; replaces alanine 1973 with valine.
Molecular consequence: missense variant.
Genome position (GRCh38, 1-based): chr21:46,235,293, G>A on the plus strand (C>T on the coding strand, the complement: MCM3AP is on the minus strand). VCF-style: chr21-46235293-G-A. GRCh37 (hg19) VCF-style: chr21-47655207-G-A.
Other names: short protein forms A1973V.
Identifiers: ClinVar variation 1919641 (VCV001919641.2), dbSNP rs763969969, ClinGen allele CA10075703.

ClinVar aggregate classification (germline): Uncertain significance (1 of 4 stars; one submission).

Allele frequency attached by ClinVar (database versions not stated): TOPMed below 0.00001; ExAC 0.00002.
gnomAD v4.1: 37 of 1,614,148 alleles (0.0023%); highest among the groups gnomAD compares: East Asian, 0.0045%; no homozygotes.

Submission:

Labcorp Genetics (formerly Invitae), Labcorp
Classification: Uncertain significance. Last evaluated: 2022-06-13. Review status: criteria provided, single submitter. Criteria: Invitae Variant Classification Sherloc (09022015). Collection method: clinical testing. Allele origin: germline.
Comment: This sequence change replaces alanine, which is neutral and non-polar, with valine, which is neutral and non-polar, at codon 1973 of the MCM3AP protein (p.Ala1973Val). This variant is present in population databases (rs763969969, gnomAD 0.003%). This variant has not been reported in the literature in individuals affected with MCM3AP-related conditions. Algorithms developed to predict the effect of missense changes on protein structure and function output the following: SIFT: "Tolerated"; PolyPhen-2: "Benign"; Align-GVGD: "Class C0". The valine amino acid residue is found in multiple mammalian species, which suggests that this missense change does not adversely affect protein function. In summary, the available evidence is currently insufficient to determine the role of this variant in disease. Therefore, it has been classified as a Variant of Uncertain Significance.